The following is an entry in ClinVar:

ClinVar aggregate classification (germline): Uncertain significance (1 of 4 stars; one submission).

Conditions:
Autosomal dominant hypocalcemia 1 (HYPOC1). Also called: HYPOCALCEMIA, FAMILIAL. Identifiers: MedGen C3715128, MONDO:0011013, OMIM 601198.
Familial hypocalciuric hypercalcemia (FHH). Also called: Familial benign hypercalcemia. Identifiers: Orphanet 405, MedGen C1809471, MONDO:0018458.

Submission:

Labcorp Genetics (formerly Invitae), Labcorp
Classification: Uncertain significance for Familial hypocalciuric hypercalcemia; Autosomal dominant hypocalcemia 1. Last evaluated: 2020-10-19. Review status: criteria provided, single submitter. Criteria: Invitae Variant Classification Sherloc (09022015). Collection method: clinical testing. Allele origin: germline.
Comment: This variant is not present in population databases (ExAC no frequency). In summary, the available evidence is currently insufficient to determine the role of this variant in disease. Therefore, it has been classified as a Variant of Uncertain Significance. Algorithms developed to predict the effect of missense changes on protein structure and function (SIFT, PolyPhen-2, Align-GVGD) all suggest that this variant is likely to be disruptive, but these predictions have not been confirmed by published functional studies and their clinical significance is uncertain. This variant has not been reported in the literature in individuals with CASR-related conditions. This sequence change replaces serine with tyrosine at codon 302 of the CASR protein (p.Ser302Tyr). The serine residue is highly conserved and there is a large physicochemical difference between serine and tyrosine.

NM_000388.4(CASR):c.905C>A (p.Ser302Tyr)

Gene: CASR (calcium sensing receptor; plus strand). Cytogenetic location: 3q21.1.
Variant type: single nucleotide variant.
Coding change: c.905C>A on transcript NM_000388.4 (MANE Select); coding-DNA position 905, C replaced by A.
Protein change: p.Ser302Tyr; replaces serine 302 with tyrosine.
Molecular consequence: missense variant.
Genome position (GRCh38, 1-based): chr3:122,261,940, C>A. VCF-style: chr3-122261940-C-A. GRCh37 (hg19) VCF-style: chr3-121980787-C-A.
Other names: c.905C>A, p.Ser302Tyr (NM_001178065.2); short protein forms S302Y.
Identifiers: ClinVar variation 1063702 (VCV001063702.9), dbSNP rs2107632520, ClinGen allele CA354151606.